The following is an entry in ClinVar:

ClinVar aggregate classification (germline): Uncertain significance (1 of 4 stars; one submission).

Submission:

Labcorp Genetics (formerly Invitae), Labcorp
Classification: Uncertain significance. Last evaluated: 2021-07-26. Review status: criteria provided, single submitter. Criteria: Invitae Variant Classification Sherloc (09022015). Collection method: clinical testing. Allele origin: germline.
Comment: In summary, the available evidence is currently insufficient to determine the role of this variant in disease. Therefore, it has been classified as a Variant of Uncertain Significance. Algorithms developed to predict the effect of missense changes on protein structure and function are either unavailable or do not agree on the potential impact of this missense change (SIFT: "Deleterious"; PolyPhen-2: "Possibly Damaging"; Align-GVGD: "Class C0"). This variant has not been reported in the literature in individuals affected with ERBIN-related conditions. The frequency data for this variant in the population databases is considered unreliable, as metrics indicate insufficient coverage at this position in the ExAC database. This sequence change replaces serine with isoleucine at codon 1241 of the ERBIN protein (p.Ser1241Ile). The serine residue is moderately conserved and there is a large physicochemical difference between serine and isoleucine.

NM_001253697.2(ERBIN):c.3722G>T (p.Ser1241Ile)

Gene: ERBIN (erbb2 interacting protein; plus strand). Cytogenetic location: 5q12.3.
Variant type: single nucleotide variant.
Coding change: c.3722G>T on transcript NM_001253697.2 (MANE Select); coding-DNA position 3722, G replaced by T.
Protein change: p.Ser1241Ile; replaces serine 1241 with isoleucine.
Molecular consequence: missense variant. On other transcripts: intron variant (5).
Genome position (GRCh38, 1-based): chr5:66,072,257, G>T. VCF-style: chr5-66072257-G-T. GRCh37 (hg19) VCF-style: chr5-65368085-G-T.
Other names: c.3778-2767G>T (NM_001253699.2); c.3634-2767G>T (NM_018695.4, NM_001253698.2); c.3634-4059G>T (NM_001006600.3); c.3622-2767G>T (NM_001253701.2); short protein forms S1241I.
Identifiers: ClinVar variation 1368464 (VCV001368464.6), dbSNP rs2151299607, ClinGen allele CA359870799.